The following is an entry in ClinVar:

NM_001369.3(DNAH5):c.13364G>A (p.Gly4455Asp)

Gene: DNAH5 (dynein axonemal heavy chain 5; minus strand). Cytogenetic location: 5p15.2.
Variant type: single nucleotide variant.
Coding change: c.13364G>A on transcript NM_001369.3 (MANE Select); coding-DNA position 13364, G replaced by A.
Protein change: p.Gly4455Asp; replaces glycine 4455 with aspartic acid.
Molecular consequence: missense variant.
Genome position (GRCh38, 1-based): chr5:13,701,411, C>T on the plus strand (G>A on the coding strand, the complement: DNAH5 is on the minus strand). VCF-style: chr5-13701411-C-T. GRCh37 (hg19) VCF-style: chr5-13701520-C-T.
Other names: short protein forms G4455D.
Identifiers: ClinVar variation 905606 (VCV000905606.21), dbSNP rs370684795, ClinGen allele CA3201379.

ClinVar aggregate classification (germline): Conflicting classifications of pathogenicity. Review status: criteria provided, conflicting classifications (1 of 4 stars). 7 submissions from 7 submitters: Uncertain significance (4); Benign (1); Likely benign (1). 1 of the submissions does not count toward it. Last evaluated 2026-05-27.

Conditions:
Primary ciliary dyskinesia. Also called: Ciliary dyskinesia. Identifiers: Orphanet 244, MedGen C0008780, MONDO:0016575, HP:0012265.
Primary ciliary dyskinesia 3. Identifiers: Orphanet 244, MedGen C1837618, MONDO:0012085, OMIM 608644.

Allele frequency attached by ClinVar (database versions not stated): ESP Exome Variant Server 0.00008; 1000 Genomes Project 30x 0.00016; 1000 Genomes Project 0.00020.
gnomAD v4.1: 285 of 1,613,164 alleles (0.018%); highest among the groups gnomAD compares: South Asian, 0.19%; 1 homozygote.

Submissions (7):

GeneDx
Classification: Uncertain significance. Last evaluated: 2026-05-27. Review status: criteria provided, single submitter. Criteria: GeneDx Variant Classification Process June 2021. Collection method: clinical testing. Allele origin: germline.
Comment: Identified in the heterozygous state in one individual from a cohort of patients with heterotaxy syndrome (PMID: 30120289); In silico analysis supports that this missense variant has a deleterious effect on protein structure/function; This variant is associated with the following publications: (PMID: 30120289)

Labcorp Genetics (formerly Invitae), Labcorp
Classification: Benign for Primary ciliary dyskinesia. Last evaluated: 2026-01-28. Review status: criteria provided, single submitter. Criteria: Invitae Variant Classification Sherloc (09022015). Collection method: clinical testing. Allele origin: germline.

Ambry Genetics
Classification: Likely benign for Primary ciliary dyskinesia. Last evaluated: 2024-05-16. Review status: criteria provided, single submitter. Criteria: Ambry Variant Classification Scheme 2023. Collection method: clinical testing. Allele origin: germline.

Fulgent Genetics
Classification: Uncertain significance for Primary ciliary dyskinesia 3. Last evaluated: 2021-09-01. Review status: criteria provided, single submitter. Criteria: ACMG Guidelines, 2015. Collection method: clinical testing. Allele origin: unknown.

Genome-Nilou Lab
Classification: Uncertain significance for Primary ciliary dyskinesia 3. Last evaluated: 2021-07-14. Review status: criteria provided, single submitter. Criteria: ACMG Guidelines, 2015. Collection method: clinical testing. Allele origin: germline. Affected: no.

Illumina Laboratory Services, Illumina
Classification: Uncertain significance for Primary ciliary dyskinesia 3. Last evaluated: 2018-01-13. Review status: criteria provided, single submitter. Criteria: ICSL Variant Classification Criteria 13 December 2019. Collection method: clinical testing. Allele origin: germline.

Natera, Inc.
Classification: Uncertain significance for Primary ciliary dyskinesia. Last evaluated: 2020-02-07. Review status: no assertion criteria provided. Collection method: clinical testing. Allele origin: germline. Not counted in ClinVar's aggregate classification.